The following is an entry in ClinVar:

ClinVar aggregate classification (germline): Conflicting classifications of pathogenicity. Review status: criteria provided, conflicting classifications (1 of 4 stars). 4 submissions from 4 submitters: Likely pathogenic (1); Uncertain significance (3). Last evaluated 2025-10-23.

Conditions:
Atypical hemolytic-uremic syndrome with I factor anomaly. Also called: HEMOLYTIC UREMIC SYNDROME, ATYPICAL, SUSCEPTIBILITY TO, 3; AHUS, SUSCEPTIBILITY TO, 3. Identifiers: Orphanet 2134, MedGen C2752039, MONDO:0013041, OMIM 612923.
CFI-related disorder. Also called: CFI-related disorders; CFI-related condition. Identifiers: MedGen CN239325.

Allele frequency attached by ClinVar (database versions not stated): gnomAD exomes 0.00001 and 0.00002; TOPMed 0.00001; ExAC 0.00003.
gnomAD v4.1: 12 of 1,614,036 alleles (0.00074%); highest among the groups gnomAD compares: Non-Finnish European, 0.00093%; no homozygotes.

Submissions (4):

Labcorp Genetics (formerly Invitae), Labcorp
Classification: Uncertain significance. Last evaluated: 2025-10-23. Review status: criteria provided, single submitter. Criteria: Invitae Variant Classification Sherloc (09022015). Collection method: clinical testing. Allele origin: germline.
Comment: This sequence change replaces aspartic acid, which is acidic and polar, with histidine, which is basic and polar, at codon 477 of the CFI protein (p.Asp477His). This variant also falls at the last nucleotide of exon 11, which is part of the consensus splice site for this exon. This variant is present in population databases (rs754972981, gnomAD 0.004%). This missense change has been observed in individual(s) with age-related macular degeneration and/or atypical hemolytic uremic syndrome (PMID: 24036952, 35619721, 38852887, 39238643). ClinVar contains an entry for this variant (Variation ID: 347153). An algorithm developed to predict the effect of missense changes on protein structure and function (PolyPhen-2) suggests that this variant is likely to be disruptive. Experimental studies have shown that this missense change does not substantially affect CFI function (PMID: 35069568, 35619721). Variants that disrupt the consensus splice site are a relatively common cause of aberrant splicing (PMID: 17576681, 9536098). Algorithms developed to predict the effect of sequence changes on RNA splicing suggest that this variant may disrupt the consensus splice site. In summary, the available evidence is currently insufficient to determine the role of this variant in disease. Therefore, it has been classified as a Variant of Uncertain Significance.

Genomenon, Inc
Classification: Likely pathogenic for CFI-related disorder. Last evaluated: 2025-09-26. Review status: criteria provided, single submitter. Criteria: Genomenon Sequence Variant Interpretation Standards - Updated. Collection method: curation. Allele origin: germline. Affected: yes.
Comment: CFI p.Asp477His (c.1429G>C) is a missense variant that changes the amino acid at residue 477 from Aspartic acid to Histidine. This variant has been observed in at least one proband affected with a CFI-related disorder (PMID:35619721). At least one splicing study identified that this variant results in aberrant splicing (PMID:39238643). Functional studies have been reported; however, the significance of the findings remain unclear (PMID:37954579;35619721;35069568;32510551). It is absent or not present at a significant frequency in gnomAD. In conclusion, we classify CFI p.Asp477His (c.1429G>C) as a likely pathogenic variant.

GeneDx
Classification: Uncertain significance. Last evaluated: 2019-07-24. Review status: criteria provided, single submitter. Criteria: GeneDx Variant Classification Process June 2021. Collection method: clinical testing. Allele origin: germline. Affected: yes.
Comment: Reported in published literature in heterozygous state in two unrelated individuals with age-related macular degeneration (Seddon et al., 2013); In silico analysis, which includes splice predictors and evolutionary conservation, supports a deleterious effect; In silico analysis, which includes protein predictors and evolutionary conservation, supports a deleterious effect; This variant is associated with the following publications: (PMID: 24036952)

Illumina Laboratory Services, Illumina
Classification: Uncertain significance for Atypical hemolytic-uremic syndrome with I factor anomaly. Last evaluated: 2018-01-12. Review status: criteria provided, single submitter. Criteria: ICSL Variant Classification Criteria 13 December 2019. Collection method: clinical testing. Allele origin: germline.

Literature cited by the submitters: PubMed 24036952 (cited by Labcorp Genetics (formerly Invitae), Labcorp); PubMed 35619721 (cited by Labcorp Genetics (formerly Invitae), Labcorp and Genomenon, Inc); PubMed 38852887 (cited by Labcorp Genetics (formerly Invitae), Labcorp); PubMed 39238643 (cited by Labcorp Genetics (formerly Invitae), Labcorp); PubMed 35069568 (cited by Labcorp Genetics (formerly Invitae), Labcorp); PubMed 17576681 (cited by Labcorp Genetics (formerly Invitae), Labcorp); PubMed 9536098 (cited by Labcorp Genetics (formerly Invitae), Labcorp); 39238643 (cited by Genomenon, Inc); 37954579 (cited by Genomenon, Inc); 35069568 (cited by Genomenon, Inc); 32510551 (cited by Genomenon, Inc).

NM_000204.5(CFI):c.1429G>C (p.Asp477His)

Gene: CFI (complement factor I; minus strand). Cytogenetic location: 4q25.
Variant type: single nucleotide variant.
Coding change: c.1429G>C on transcript NM_000204.5 (MANE Select); coding-DNA position 1429, G replaced by C.
Protein change: p.Asp477His; replaces aspartic acid 477 with histidine.
Molecular consequence: missense variant. On other transcripts: non-coding transcript variant (2).
Genome position (GRCh38, 1-based): chr4:109,746,222, C>G on the plus strand (G>C on the coding strand, the complement: CFI is on the minus strand). VCF-style: chr4-109746222-C-G. GRCh37 (hg19) VCF-style: chr4-110667378-C-G.
Other names: c.1453G>C, p.Asp485His (NM_001318057.2, NM_001375278.1); c.1408G>C, p.Asp470His (NM_001331035.2, NM_001375280.1, NM_001375282.1); c.1429G>C, p.Asp477His (NM_001375279.1, NM_001375281.1); c.1372G>C, p.Asp458His (NM_001375283.1); c.820G>C, p.Asp274His (NM_001375284.1); short protein forms D477H, D485H, D470H, D274H, D458H.
Identifiers: ClinVar variation 347153 (VCV000347153.12), dbSNP rs754972981, ClinGen allele CA3041918.